The following is an entry in ClinVar:

ClinVar aggregate classification (germline): Uncertain significance (1 of 4 stars; one submission).

Conditions:
Hereditary cancer-predisposing syndrome. Also called: Neoplastic Syndromes, Hereditary; Tumor predisposition; Hereditary Cancer Syndrome; Hereditary neoplastic syndrome. Identifiers: Orphanet 140162, MedGen C0027672, MeSH D009386, MONDO:0015356.

gnomAD v4.1: 1 of 1,614,008 alleles (0.000062%); highest among the groups gnomAD compares: Non-Finnish European, 0.000085%; no homozygotes.

Submission:

Ambry Genetics
Classification: Uncertain significance for Hereditary cancer-predisposing syndrome. Last evaluated: 2025-12-26. Review status: criteria provided, single submitter. Criteria: Ambry Variant Classification Scheme 2023. Collection method: clinical testing. Allele origin: germline.
Comment: The p.G526R variant (also known as c.1576G>A), located in coding exon 11 of the PTCH1 gene, results from a G to A substitution at nucleotide position 1576. The glycine at codon 526 is replaced by arginine, an amino acid with dissimilar properties. This amino acid position is conserved. In addition, this alteration is predicted to be deleterious by in silico analysis. Based on the available evidence, the clinical significance of this variant remains unclear.

NM_000264.5(PTCH1):c.1576G>A (p.Gly526Arg)

Gene: PTCH1 (patched 1; minus strand). Cytogenetic location: 9q22.32.
Variant type: single nucleotide variant.
Coding change: c.1576G>A on transcript NM_000264.5 (MANE Select); coding-DNA position 1576, G replaced by A.
Protein change: p.Gly526Arg; replaces glycine 526 with arginine.
Molecular consequence: missense variant. On other transcripts: non-coding transcript variant (1).
Genome position (GRCh38, 1-based): chr9:95,476,785, C>T on the plus strand (G>A on the coding strand, the complement: PTCH1 is on the minus strand). VCF-style: chr9-95476785-C-T. GRCh37 (hg19) VCF-style: chr9-98239067-C-T.
Other names: c.1378G>A, p.Gly460Arg (NM_001083602.3); c.1573G>A, p.Gly525Arg (NM_001083603.3); c.1123G>A, p.Gly375Arg (NM_001083604.3, NM_001083605.3, NM_001083606.3 and 1 more transcripts); c.1420G>A, p.Gly474Arg (NM_001354918.2); short protein forms G375R, G474R, G460R, G525R, G526R.
Identifiers: ClinVar variation 4842286 (VCV004842286.1).